The following is an entry in ClinVar:

NM_003835.4(RGS9):c.595A>G (p.Asn199Asp)

Gene: RGS9 (regulator of G protein signaling 9; plus strand). Cytogenetic location: 17q24.1.
Variant type: single nucleotide variant.
Coding change: c.595A>G on transcript NM_003835.4 (MANE Select); coding-DNA position 595, A replaced by G.
Protein change: p.Asn199Asp; replaces asparagine 199 with aspartic acid.
Molecular consequence: missense variant.
Genome position (GRCh38, 1-based): chr17:65,177,744, A>G. VCF-style: chr17-65177744-A-G. GRCh37 (hg19) VCF-style: chr17-63173862-A-G.
Other names: c.595A>G, p.Asn199Asp (NM_001081955.3, NM_001165933.2); short protein forms N199D.
Identifiers: ClinVar variation 2131692 (VCV002131692.4), dbSNP rs2509393058, ClinGen allele CA400660817.

ClinVar aggregate classification (germline): Uncertain significance (1 of 4 stars; one submission).

Submission:

Labcorp Genetics (formerly Invitae), Labcorp
Classification: Uncertain significance. Last evaluated: 2022-04-29. Review status: criteria provided, single submitter. Criteria: Invitae Variant Classification Sherloc (09022015). Collection method: clinical testing. Allele origin: germline.
Comment: This sequence change replaces asparagine, which is neutral and polar, with aspartic acid, which is acidic and polar, at codon 199 of the RGS9 protein (p.Asn199Asp). In summary, the available evidence is currently insufficient to determine the role of this variant in disease. Therefore, it has been classified as a Variant of Uncertain Significance. Algorithms developed to predict the effect of missense changes on protein structure and function output the following: SIFT: "Tolerated"; PolyPhen-2: "Benign"; Align-GVGD: "Class C0". The aspartic acid amino acid residue is found in multiple mammalian species, which suggests that this missense change does not adversely affect protein function. This variant has not been reported in the literature in individuals affected with RGS9-related conditions. This variant is not present in population databases (gnomAD no frequency).